The following is an entry in ClinVar:

NM_004360.5(CDH1):c.688-12T>G

Gene: CDH1 (cadherin 1; plus strand). Cytogenetic location: 16q22.1.
Variant type: single nucleotide variant.
Coding change: c.688-12T>G on transcript NM_004360.5 (MANE Select); 12 bases into the intron before coding-DNA position 688, T replaced by G.
Molecular consequence: intron variant.
Genome position (GRCh38, 1-based): chr16:68,810,185, T>G. VCF-style: chr16-68810185-T-G. GRCh37 (hg19) VCF-style: chr16-68844088-T-G.
Other names: c.-928-12T>G (NM_001317185.2); c.-1132-12T>G (NM_001317186.2); c.688-12T>G (NM_001317184.2).
Identifiers: ClinVar variation 2819810 (VCV002819810.3), dbSNP rs2543918592, ClinGen allele CA2739266856.

ClinVar aggregate classification (germline): Uncertain significance (1 of 4 stars; one submission).

Conditions:
Hereditary diffuse gastric adenocarcinoma (HDGC). Also called: DIFFUSE GASTRIC AND LOBULAR BREAST CANCER SYNDROME. Identifiers: Orphanet 26106, MedGen C1708349, MONDO:0007648, OMIM 137215.

Submission:

Labcorp Genetics (formerly Invitae), Labcorp
Classification: Uncertain significance for Hereditary diffuse gastric adenocarcinoma. Last evaluated: 2022-12-10. Review status: criteria provided, single submitter. Criteria: Invitae Variant Classification Sherloc (09022015). Collection method: clinical testing. Allele origin: germline.
Comment: In summary, the available evidence is currently insufficient to determine the role of this variant in disease. Therefore, it has been classified as a Variant of Uncertain Significance. Algorithms developed to predict the effect of sequence changes on RNA splicing suggest that this variant may create or strengthen a splice site. This variant has not been reported in the literature in individuals affected with CDH1-related conditions. This variant is not present in population databases (gnomAD no frequency). This sequence change falls in intron 5 of the CDH1 gene. It does not directly change the encoded amino acid sequence of the CDH1 protein.